The following is an entry in ClinVar:

NM_000271.5(NPC1):c.3130G>A (p.Val1044Met)

Gene: NPC1 (NPC intracellular cholesterol transporter 1; minus strand). Cytogenetic location: 18q11.2.
Variant type: single nucleotide variant.
Coding change: c.3130G>A on transcript NM_000271.5 (MANE Select); coding-DNA position 3130, G replaced by A.
Protein change: p.Val1044Met; replaces valine 1044 with methionine.
Molecular consequence: missense variant.
Genome position (GRCh38, 1-based): chr18:23,536,788, C>T on the plus strand (G>A on the coding strand, the complement: NPC1 is on the minus strand). VCF-style: chr18-23536788-C-T. GRCh37 (hg19) VCF-style: chr18-21116752-C-T.
Other names: short protein forms V1044M.
Identifiers: ClinVar variation 597412 (VCV000597412.9), dbSNP rs767343173, ClinGen allele CA8912852.

ClinVar aggregate classification (germline): Uncertain significance. Review status: criteria provided, multiple submitters, no conflicts (2 of 4 stars). 4 submissions from 4 submitters: Uncertain significance (3). 1 of the submissions does not count toward it. Last evaluated 2022-04-25.

Conditions:
Niemann-Pick disease, type C1. Also called: NEUROVISCERAL STORAGE DISEASE WITH VERTICAL SUPRANUCLEAR OPHTHALMOPLEGIA; NIEMANN-PICK DISEASE WITH CHOLESTEROL ESTERIFICATION BLOCK; NIEMANN-PICK DISEASE WITHOUT SPHINGOMYELINASE DEFICIENCY; NIEMANN-PICK DISEASE, CHRONIC NEURONOPATHIC FORM; NIEMANN-PICK DISEASE, VARIANT TYPE C1. Identifiers: Orphanet 646, MedGen C3179455, MONDO:0009757, OMIM 257220.

Allele frequency attached by ClinVar (database versions not stated): gnomAD 0.00001; gnomAD exomes 0.00003 and 0.00005; TOPMed 0.00003; ExAC 0.00004.
gnomAD v4.1: 46 of 1,614,048 alleles (0.0028%); highest among the groups gnomAD compares: East Asian, 0.022%; no homozygotes.

Submissions (4):

Fulgent Genetics
Classification: Uncertain significance for Niemann-Pick disease, type C1. Last evaluated: 2022-04-25. Review status: criteria provided, single submitter. Criteria: ACMG Guidelines, 2015. Collection method: clinical testing. Allele origin: unknown.

Labcorp Genetics (formerly Invitae), Labcorp
Classification: Uncertain significance for Niemann-Pick disease, type C1. Last evaluated: 2022-02-17. Review status: criteria provided, single submitter. Criteria: Invitae Variant Classification Sherloc (09022015). Collection method: clinical testing. Allele origin: germline.
Comment: This sequence change replaces valine, which is neutral and non-polar, with methionine, which is neutral and non-polar, at codon 1044 of the NPC1 protein (p.Val1044Met). This variant is present in population databases (rs767343173, gnomAD 0.06%). This variant has not been reported in the literature in individuals affected with NPC1-related conditions. ClinVar contains an entry for this variant (Variation ID: 597412). Advanced modeling of protein sequence and biophysical properties (such as structural, functional, and spatial information, amino acid conservation, physicochemical variation, residue mobility, and thermodynamic stability) performed at Invitae indicates that this missense variant is expected to disrupt NPC1 protein function. In summary, the available evidence is currently insufficient to determine the role of this variant in disease. Therefore, it has been classified as a Variant of Uncertain Significance.

Eurofins Ntd Llc (ga)
Classification: Uncertain significance. Last evaluated: 2018-05-31. Review status: criteria provided, single submitter. Criteria: EGL ClinVar v180209 classification definitions. Collection method: clinical testing. Allele origin: germline. Observed: 2 variant alleles, 2 heterozygotes.

Natera, Inc.
Classification: Uncertain significance for Niemann-Pick disease type C1. Last evaluated: 2020-09-16. Review status: no assertion criteria provided. Collection method: clinical testing. Allele origin: germline. Not counted in ClinVar's aggregate classification.